The following is an entry in ClinVar:

ClinVar aggregate classification (germline): Uncertain significance (1 of 4 stars; one submission).

gnomAD v4.1: 1 of 1,613,454 alleles (0.000062%); highest among the groups gnomAD compares: South Asian, 0.0011%; no homozygotes.

Submission:

Labcorp Genetics (formerly Invitae), Labcorp
Classification: Uncertain significance. Last evaluated: 2021-10-19. Review status: criteria provided, single submitter. Criteria: Invitae Variant Classification Sherloc (09022015). Collection method: clinical testing. Allele origin: germline.
Comment: This sequence change replaces proline, which is neutral and non-polar, with threonine, which is neutral and polar, at codon 986 of the NBAS protein (p.Pro986Thr). This variant is not present in population databases (gnomAD no frequency). This variant has not been reported in the literature in individuals affected with NBAS-related conditions. Algorithms developed to predict the effect of missense changes on protein structure and function (SIFT, PolyPhen-2, Align-GVGD) all suggest that this variant is likely to be disruptive. In summary, the available evidence is currently insufficient to determine the role of this variant in disease. Therefore, it has been classified as a Variant of Uncertain Significance.

NM_015909.4(NBAS):c.2956C>A (p.Pro986Thr)

Gene: NBAS (NBAS subunit of NRZ tethering complex; minus strand). Cytogenetic location: 2p24.3.
Variant type: single nucleotide variant.
Coding change: c.2956C>A on transcript NM_015909.4 (MANE Select); coding-DNA position 2956, C replaced by A.
Protein change: p.Pro986Thr; replaces proline 986 with threonine.
Molecular consequence: missense variant. On other transcripts: non-coding transcript variant (1).
Genome position (GRCh38, 1-based): chr2:15,402,283, G>T on the plus strand (C>A on the coding strand, the complement: NBAS is on the minus strand). VCF-style: chr2-15402283-G-T. GRCh37 (hg19) VCF-style: chr2-15542407-G-T.
Other names: short protein forms P986T.
Identifiers: ClinVar variation 1508030 (VCV001508030.6), dbSNP rs2148429820, ClinGen allele CA345882402.